The following is an entry in ClinVar:

NM_001080449.3(DNA2):c.461G>A (p.Arg154His)

Gene: DNA2 (DNA replication helicase/nuclease 2; minus strand). Cytogenetic location: 10q21.3.
Variant type: single nucleotide variant.
Coding change: c.461G>A on transcript NM_001080449.3 (MANE Select); coding-DNA position 461, G replaced by A.
Protein change: p.Arg154His; replaces arginine 154 with histidine.
Molecular consequence: missense variant. On other transcripts: non-coding transcript variant (1).
Genome position (GRCh38, 1-based): chr10:68,465,793, C>T on the plus strand (G>A on the coding strand, the complement: DNA2 is on the minus strand). VCF-style: chr10-68465793-C-T. GRCh37 (hg19) VCF-style: chr10-70225550-C-T.
Other names: short protein forms R154H.
Identifiers: ClinVar variation 2740885 (VCV002740885.3), dbSNP rs760075530, ClinGen allele CA5525287.

ClinVar aggregate classification (germline): Uncertain significance (1 of 4 stars; one submission).

Allele frequency attached by ClinVar (database versions not stated): gnomAD exomes 0.00001; TOPMed 0.00001; gnomAD 0.00002; ExAC 0.00003.
gnomAD v4.1: 23 of 1,585,476 alleles (0.0015%); highest among the groups gnomAD compares: Middle Eastern, 0.017%; no homozygotes.

Submission:

Labcorp Genetics (formerly Invitae), Labcorp
Classification: Uncertain significance. Last evaluated: 2024-04-10. Review status: criteria provided, single submitter. Criteria: Invitae Variant Classification Sherloc (09022015). Collection method: clinical testing. Allele origin: germline.
Comment: This sequence change replaces arginine, which is basic and polar, with histidine, which is basic and polar, at codon 154 of the DNA2 protein (p.Arg154His). The frequency data for this variant in the population databases is considered unreliable, as metrics indicate poor data quality at this position in the gnomAD database. This variant has not been reported in the literature in individuals affected with DNA2-related conditions. Advanced modeling of protein sequence and biophysical properties (such as structural, functional, and spatial information, amino acid conservation, physicochemical variation, residue mobility, and thermodynamic stability) performed at Invitae indicates that this missense variant is not expected to disrupt DNA2 protein function with a negative predictive value of 80%. In summary, the available evidence is currently insufficient to determine the role of this variant in disease. Therefore, it has been classified as a Variant of Uncertain Significance.